The following is an entry in ClinVar:

NM_001032283.3(TMPO):c.634C>T (p.Leu212Phe)

Gene: TMPO (thymopoietin; plus strand). Cytogenetic location: 12q23.1.
Variant type: single nucleotide variant.
Coding change: c.634C>T on transcript NM_001032283.3 (MANE Select); coding-DNA position 634, C replaced by T.
Protein change: p.Leu212Phe; replaces leucine 212 with phenylalanine.
Molecular consequence: missense variant.
Genome position (GRCh38, 1-based): chr12:98,537,543, C>T. VCF-style: chr12-98537543-C-T. GRCh37 (hg19) VCF-style: chr12-98931321-C-T.
Other names: c.634C>T, p.Leu212Phe (NM_001032284.3, NM_001307975.2); short protein forms L212F.
Identifiers: ClinVar variation 2499443 (VCV002499443.1), dbSNP rs1268321251, ClinGen allele CA386154737.

ClinVar aggregate classification (germline): Uncertain significance (1 of 4 stars; one submission).

Allele frequency attached by ClinVar (database versions not stated): gnomAD exomes below 0.00001; gnomAD 0.00001; TOPMed 0.00001.
gnomAD v4.1: 2 of 1,613,330 alleles (0.00012%); highest among the groups gnomAD compares: African/African-American, 0.0013%; no homozygotes.

Submission:

GeneDx
Classification: Uncertain significance. Last evaluated: 2023-03-30. Review status: criteria provided, single submitter. Criteria: GeneDx Variant Classification Process June 2021. Collection method: clinical testing. Allele origin: germline. Affected: yes.
Comment: Not observed at significant frequency in large population cohorts (gnomAD); In silico analysis supports that this missense variant does not alter protein structure/function; Reported using an alternate transcript; Has not been previously published as pathogenic or benign to our knowledge